The following is an entry in ClinVar:

ClinVar aggregate classification (germline): Uncertain significance (1 of 4 stars; one submission).

Conditions:
Majeed syndrome (MJDS). Also called: LPIN2-Related Majeed Syndrome; CHRONIC RECURRENT MULTIFOCAL OSTEOMYELITIS 1, WITH CONGENITAL DYSERYTHROPOIETIC ANEMIA, WITH OR WITHOUT NEUTROPHILIC DERMATOSIS. Identifiers: Orphanet 77297, MedGen C1864997, MONDO:0012316, OMIM 609628.

Submission:

Labcorp Genetics (formerly Invitae), Labcorp
Classification: Uncertain significance for Majeed syndrome. Last evaluated: 2023-01-25. Review status: criteria provided, single submitter. Criteria: Invitae Variant Classification Sherloc (09022015). Collection method: clinical testing. Allele origin: germline.
Comment: In summary, the available evidence is currently insufficient to determine the role of this variant in disease. Therefore, it has been classified as a Variant of Uncertain Significance. Advanced modeling of protein sequence and biophysical properties (such as structural, functional, and spatial information, amino acid conservation, physicochemical variation, residue mobility, and thermodynamic stability) performed at Invitae indicates that this missense variant is not expected to disrupt LPIN2 protein function. This variant has not been reported in the literature in individuals affected with LPIN2-related conditions. This variant is not present in population databases (gnomAD no frequency). This sequence change replaces threonine, which is neutral and polar, with proline, which is neutral and non-polar, at codon 632 of the LPIN2 protein (p.Thr632Pro).

NM_001375808.2(LPIN2):c.1894A>C (p.Thr632Pro)

Gene: LPIN2 (lipin 2; minus strand). Cytogenetic location: 18p11.31.
Variant type: single nucleotide variant.
Coding change: c.1894A>C on transcript NM_001375808.2 (MANE Select); coding-DNA position 1894, A replaced by C.
Protein change: p.Thr632Pro; replaces threonine 632 with proline.
Molecular consequence: missense variant.
Genome position (GRCh38, 1-based): chr18:2,925,268, T>G on the plus strand (A>C on the coding strand, the complement: LPIN2 is on the minus strand). VCF-style: chr18-2925268-T-G. GRCh37 (hg19) VCF-style: chr18-2925266-T-G.
Other names: c.1894A>C, p.Thr632Pro (NM_001375809.1, NM_014646.2); short protein forms T632P.
Identifiers: ClinVar variation 2831944 (VCV002831944.3), dbSNP rs2510246052, ClinGen allele CA401701592.